The following is an entry in ClinVar:

NM_001165963.4(SCN1A):c.1354A>T (p.Lys452Ter)

Gene: SCN1A (sodium voltage-gated channel alpha subunit 1; minus strand). Cytogenetic location: 2q24.3.
Variant type: single nucleotide variant.
Coding change: c.1354A>T on transcript NM_001165963.4 (MANE Select); coding-DNA position 1354, A replaced by T.
Protein change: p.Lys452Ter; replaces lysine 452 with a stop codon.
Molecular consequence: nonsense. On other transcripts: 5 prime UTR variant (1), non-coding transcript variant (1).
Genome position (GRCh38, 1-based): chr2:166,046,793, T>A on the plus strand (A>T on the coding strand, the complement: SCN1A is on the minus strand). VCF-style: chr2-166046793-T-A. GRCh37 (hg19) VCF-style: chr2-166903303-T-A.
Other names: c.1354A>T, p.Lys452Ter (NM_001165964.3, NM_001202435.3, NM_001353948.2 and 10 more transcripts); c.-1072A>T (NM_001353961.2); short protein forms K452*.
Identifiers: ClinVar variation 620251 (VCV000620251.4), dbSNP rs1553546668, ClinGen allele CA349070329.

ClinVar aggregate classification (germline): Pathogenic. Review status: criteria provided, multiple submitters, no conflicts (2 of 4 stars). 3 submissions from 3 submitters: Pathogenic (3). Last evaluated 2024-09-17.

Conditions:
Generalized epilepsy with febrile seizures plus, type 2 (GEFSP2). Also called: GEFS+, TYPE 2. Identifiers: Orphanet 36387, MedGen C1858673, MONDO:0011461, OMIM 604403.
Developmental and epileptic encephalopathy 6B. Also called: Developmental and epileptic encephalopathy 6B, non-Dravet. Identifiers: MedGen C5543353, MONDO:0030268, OMIM 619317.
Severe myoclonic epilepsy in infancy (DRVT). Also called: Epileptic encephalopathy, early infantile, 6 (Dravet syndrome); Dravet syndrome; SEVERE MYOCLONIC EPILEPSY OF INFANCY; DEVELOPMENTAL AND EPILEPTIC ENCEPHALOPATHY 6A; Severe Myoclonic Epilepsy in Infancy (SMEI). Identifiers: Orphanet 33069, MedGen C0751122, MONDO:0100135, OMIM 607208.
Migraine, familial hemiplegic, 3. Identifiers: Orphanet 569, MedGen C1864987, MONDO:0012320, OMIM 609634.
Early-infantile DEE. Also called: Early infantile epileptic encephalopathy with suppression bursts; Ohtahara syndrome; Early infantile epileptic encephalopathy. Identifiers: Orphanet 1934, MedGen C0393706, MONDO:0800491.

Submissions (3):

Labcorp Genetics (formerly Invitae), Labcorp
Classification: Pathogenic for Early-infantile DEE. Last evaluated: 2024-09-17. Review status: criteria provided, single submitter. Criteria: Invitae Variant Classification Sherloc (09022015). Collection method: clinical testing. Allele origin: germline.
Comment: This sequence change creates a premature translational stop signal (p.Lys452*) in the SCN1A gene. It is expected to result in an absent or disrupted protein product. Loss-of-function variants in SCN1A are known to be pathogenic (PMID: 17347258, 18930999). This variant is not present in population databases (gnomAD no frequency). This variant has not been reported in the literature in individuals affected with SCN1A-related conditions. ClinVar contains an entry for this variant (Variation ID: 620251). For these reasons, this variant has been classified as Pathogenic.

Fulgent Genetics
Classification: Pathogenic for Generalized epilepsy with febrile seizures plus, type 2; Severe myoclonic epilepsy in infancy; Migraine, familial hemiplegic, 3; Developmental and epileptic encephalopathy 6B. Last evaluated: 2021-07-06. Review status: criteria provided, single submitter. Criteria: ACMG Guidelines, 2015. Collection method: clinical testing. Allele origin: unknown.

GeneDx
Classification: Pathogenic. Last evaluated: 2018-06-28. Review status: criteria provided, single submitter. Criteria: GeneDx Variant Classification (06012015). Collection method: clinical testing. Allele origin: germline. Affected: yes.
Comment: The K452X nonsense variant in the SCN1A gene is predicted to cause loss of normal protein function either through protein truncation or nonsense-mediated mRNA decay. The K452X variant is not observed in large population cohorts (Lek et al., 2016).

Literature cited by the submitters: PubMed 17347258 (cited by Labcorp Genetics (formerly Invitae), Labcorp); PubMed 18930999 (cited by Labcorp Genetics (formerly Invitae), Labcorp).